The following is an entry in ClinVar:

ClinVar aggregate classification (germline): Uncertain significance (1 of 4 stars; one submission).

Allele frequency attached by ClinVar (database versions not stated): gnomAD 0.00001; TOPMed 0.00002; ExAC 0.00005.

Submission:

Labcorp Genetics (formerly Invitae), Labcorp
Classification: Uncertain significance. Last evaluated: 2022-04-30. Review status: criteria provided, single submitter. Criteria: Invitae Variant Classification Sherloc (09022015). Collection method: clinical testing. Allele origin: germline.
Comment: This sequence change replaces arginine, which is basic and polar, with tryptophan, which is neutral and slightly polar, at codon 314 of the USH1C protein (p.Arg314Trp). This variant is present in population databases (rs773393925, gnomAD 0.006%). This variant has not been reported in the literature in individuals affected with USH1C-related conditions. Algorithms developed to predict the effect of missense changes on protein structure and function are either unavailable or do not agree on the potential impact of this missense change (SIFT: "Deleterious"; PolyPhen-2: "Probably Damaging"; Align-GVGD: "Class C15"). In summary, the available evidence is currently insufficient to determine the role of this variant in disease. Therefore, it has been classified as a Variant of Uncertain Significance.

NM_153676.4(USH1C):c.940C>T (p.Arg314Trp)

Gene: USH1C (USH1 protein network component harmonin; minus strand). Cytogenetic location: 11p15.1.
Variant type: single nucleotide variant.
Coding change: c.940C>T on transcript NM_153676.4 (MANE Select); coding-DNA position 940, C replaced by T.
Protein change: p.Arg314Trp; replaces arginine 314 with tryptophan.
Molecular consequence: missense variant. On other transcripts: non-coding transcript variant (1).
Genome position (GRCh38, 1-based): chr11:17,522,863, G>A on the plus strand (C>T on the coding strand, the complement: USH1C is on the minus strand). VCF-style: chr11-17522863-G-A. GRCh37 (hg19) VCF-style: chr11-17544410-G-A.
Other names: c.883C>T, p.Arg295Trp (NM_001297764.2); c.940C>T, p.Arg314Trp (NM_005709.4); short protein forms R295W, R314W.
Identifiers: ClinVar variation 1955765 (VCV001955765.2), dbSNP rs773393925, ClinGen allele CA5904782.
Genomic context (GRCh38, chr11:17,522,863, plus strand): 5'-GCTCCTGGAGGATCTTGTTGGACTCCATCGCCAGCCGCTTCTGCATGAGAAGCTCCTGCC[G>A]CTGCAGCTCACGCTGCCGCGCCTCTGCCAGCCGCTCCCGGTCTGTCATGAACAGCTCCCG-3'
Protein context (NP_710142.1, residues 304-324): LAEARQRELQ[Arg314Trp]QELLMQKRLA